The following is an entry in ClinVar:

ClinVar aggregate classification (germline): Benign/Likely benign. Review status: criteria provided, multiple submitters, no conflicts (2 of 4 stars). 6 submissions from 6 submitters: Benign (3); Likely benign (3). Last evaluated 2026-01-27.

Conditions:
Telangiectasia, hereditary hemorrhagic, type 1 (HHT1). Also called: Osler Weber Rendu syndrome type 1; ENG-Related Hereditary Hemorrhagic Telangiectasia. Identifiers: Orphanet 774, MedGen C4551861, MONDO:0008535, OMIM 187300. Disease mechanism: loss of function.
Cardiovascular phenotype. Identifiers: MedGen CN230736.
Hereditary hemorrhagic telangiectasia (HHT). Also called: Osler hemorrhagic telangiectasia syndrome; ORW DISEASE; Osler Weber Rendu syndrome; OSLER-RENDU-WEBER DISEASE. Identifiers: Orphanet 774, MedGen C0039445, MONDO:0019180. Disease mechanism: loss of function.

Allele frequency attached by ClinVar (database versions not stated): TOPMed 0.00005; gnomAD exomes 0.00087; ExAC 0.00091; 1000 Genomes Project 30x 0.00109; 1000 Genomes Project 0.00140.
gnomAD v4.1: 688 of 1,614,142 alleles (0.043%); highest among the groups gnomAD compares: South Asian, 0.72%; 5 homozygotes.

Submissions (6):

Labcorp Genetics (formerly Invitae), Labcorp
Classification: Benign for Hereditary hemorrhagic telangiectasia. Last evaluated: 2026-01-27. Review status: criteria provided, single submitter. Criteria: Invitae Variant Classification Sherloc (09022015). Collection method: clinical testing. Allele origin: germline.

ARUP Laboratories, Molecular Genetics and Genomics, ARUP Laboratories
Classification: Benign for Telangiectasia, hereditary hemorrhagic, type 1. Last evaluated: 2025-04-07. Review status: criteria provided, single submitter. Criteria: ARUP Molecular Germline Variant Investigation Process 2024. Collection method: clinical testing. Allele origin: germline.

Blueprint Genetics
Classification: Likely benign. Last evaluated: 2024-10-15. Review status: criteria provided, single submitter. Criteria: ACMG Guidelines, 2015. Collection method: clinical testing. Allele origin: germline.

CeGaT Center for Human Genetics Tuebingen
Classification: Likely benign. Last evaluated: 2023-10-01. Review status: criteria provided, single submitter. Criteria: CeGaT Center For Human Genetics Tuebingen Variant Classification Criteria Version 2. Collection method: clinical testing. Allele origin: germline. Affected: yes. Observed: 1 variant allele.
Comment: ENG: BP4, BP7

Ambry Genetics
Classification: Likely benign for Cardiovascular phenotype. Last evaluated: 2022-07-29. Review status: criteria provided, single submitter. Criteria: Ambry Variant Classification Scheme 2023. Collection method: clinical testing. Allele origin: germline.

Illumina Laboratory Services, Illumina
Classification: Benign for Telangiectasia, hereditary hemorrhagic, type 1. Last evaluated: 2018-01-13. Review status: criteria provided, single submitter. Criteria: ICSL Variant Classification Criteria 13 December 2019. Collection method: clinical testing. Allele origin: germline.
Comment: This variant was observed in the ICSL laboratory as part of a predisposition screen in an ostensibly healthy population. It had not been previously curated by ICSL or reported in the Human Gene Mutation Database (HGMD: prior to June 1st, 2018), and was therefore a candidate for classification through an automated scoring system. Utilizing variant allele frequency, disease prevalence and penetrance estimates, and inheritance mode, an automated score was calculated to assess if this variant is too frequent to cause the disease. Based on the score and internal cut-off values, a variant classified as benign is not then subjected to further curation. The score for this variant resulted in a classification of benign for this disease.

NM_001114753.3(ENG):c.1419C>T (p.Ser473=)

Genes: ENG (endoglin; minus strand), LOC102723566 (uncharacterized LOC102723566; plus strand). Cytogenetic location: 9q34.11.
Variant type: single nucleotide variant.
Coding change: c.1419C>T on transcript NM_001114753.3 (MANE Select); coding-DNA position 1419, C replaced by T.
Protein change: p.Ser473=; no amino-acid change (serine 473 retained).
Molecular consequence: synonymous variant.
Genome position (GRCh38, 1-based): chr9:127,818,725, G>A on the plus strand (C>T on the coding strand, the complement: ENG is on the minus strand). VCF-style: chr9-127818725-G-A. GRCh37 (hg19) VCF-style: chr9-130581004-G-A.
Other names: c.1419C>T, p.Ser473= (NM_000118.4); c.873C>T, p.Ser291= (NM_001278138.2).
Identifiers: ClinVar variation 365087 (VCV000365087.50), dbSNP rs561818608, ClinGen allele CA5252785.